The following is an entry in ClinVar:

ClinVar aggregate classification (germline): Pathogenic (1 of 4 stars; one submission).

Submission:

GeneDx
Classification: Pathogenic. Last evaluated: 2015-01-30. Review status: criteria provided, single submitter. Criteria: GeneDx Variant Classification (06012015). Collection method: clinical testing. Allele origin: germline. Affected: yes.
Comment: The c.1946_1951delACTCCTinsCTCC mutation in the JAG1 gene causes a frameshift starting with codon Asparagine 649, changes this amino acid to a Threonine residue and creates a premature Stop codon at position 7 of the new reading frame, denoted p.Asn649ThrfsX7. This mutation is predicted to cause loss of normal protein function either through protein truncation or nonsense-mediated mRNA decay. Although this mutation has not been previously reported to our knowledge, its presence is consistent with the diagnosis of Alagille syndrome.This variant was found in JAG1-T2

NM_000214.3(JAG1):c.1946_1951delinsCTCC (p.Asn649fs)

Gene: JAG1 (jagged canonical Notch ligand 1; minus strand). Cytogenetic location: 20p12.2.
Variant type: Indel.
Coding change: c.1946_1951delinsCTCC on transcript NM_000214.3 (MANE Select); coding-DNA positions 1946 to 1951, ACTCCT replaced by CTCC.
Protein change: p.Asn649fs; shifts the reading frame from asparagine 649.
Molecular consequence: frameshift variant.
Genome position (GRCh38, 1-based): chr20:10,646,019-10,646,024, AGGAGT replaced by GGAG on the plus strand (ACTCCT replaced by CTCC on the coding strand, the reverse complement: JAG1 is on the minus strand). VCF-style: chr20-10646019-AGGAGT-GGAG. GRCh37 (hg19) VCF-style: chr20-10626667-AGGAGT-GGAG.
Other names: c.1946_1951delinsCTCC, p.Asn649fs (LRG_1191t1); short protein forms N649fs.
Identifiers: ClinVar variation 213570 (VCV000213570.2), dbSNP rs863223682, ClinGen allele CA324074.
Genomic context (GRCh38, chr20:10,646,019, plus strand): 5'-TGGCAGACTCACTGGTTTCACAGTAGGCCCCCTCCCAGCCGTCACTACAGATGCACTTGT[AGGAGT>GGAG]TGACACCATCGATGCAAGTGCCACCGTTTCTACAAGGGTTGCTCTCACAGTCATTAATAT-3'